The following is an entry in ClinVar:

ClinVar aggregate classification (germline): Conflicting classifications of pathogenicity. Review status: criteria provided, conflicting classifications (1 of 4 stars). 2 submissions from 2 submitters: Likely pathogenic (1); Uncertain significance (1). Last evaluated 2025-08-20.

Allele frequency attached by ClinVar (database versions not stated): gnomAD exomes 0.00001; ExAC 0.00002.
gnomAD v4.1: 4 of 1,614,094 alleles (0.00025%); highest among the groups gnomAD compares: Admixed American, 0.0067%; no homozygotes.

Submissions (2):

GeneDx
Classification: Likely pathogenic. Last evaluated: 2025-08-20. Review status: criteria provided, single submitter. Criteria: GeneDx Variant Classification Process June 2021. Collection method: clinical testing. Allele origin: germline.
Comment: Not observed at significant frequency in large population cohorts (gnomAD); In silico analysis supports that this missense variant has a deleterious effect on protein structure/function; Has not been previously published as pathogenic or benign to our knowledge

Dasa
Classification: Uncertain significance. Last evaluated: 2025-08-06. Review status: criteria provided, single submitter. Criteria: DASA Assertion Criteria. Collection method: clinical testing. Allele origin: germline.
Comment: NM_015836.4(WARS2):c.116C>G (p.Ser39Cys) is a missense variant that results in the substitution of serine with cysteine. This variant is rare in population databases. The currently available literature and clinical evidence are not sufficient to establish a definitive association between this variant and the reported condition. Therefore, this variant is classified as a variant of uncertain significance.

NM_015836.4(WARS2):c.116C>G (p.Ser39Cys)

Gene: WARS2 (tryptophanyl tRNA synthetase 2, mitochondrial; minus strand). Cytogenetic location: 1p12.
Variant type: single nucleotide variant.
Coding change: c.116C>G on transcript NM_015836.4 (MANE Select); coding-DNA position 116, C replaced by G.
Protein change: p.Ser39Cys; replaces serine 39 with cysteine.
Molecular consequence: missense variant. On other transcripts: 5 prime UTR variant (1), intron variant (1).
Genome position (GRCh38, 1-based): chr1:119,076,582, G>C on the plus strand (C>G on the coding strand, the complement: WARS2 is on the minus strand). VCF-style: chr1-119076582-G-C. GRCh37 (hg19) VCF-style: chr1-119619205-G-C.
Other names: c.47C>G, p.Ser16Cys (NM_001378226.1, NM_001378227.1); c.116C>G, p.Ser39Cys (NM_001378228.1, NM_001378231.1, NM_201263.2); c.-167C>G (NM_001378230.1); c.91-30920C>G (NM_001378229.1); short protein forms S16C, S39C.
Identifiers: ClinVar variation 2663724 (VCV002663724.4), dbSNP rs754687998, ClinGen allele CA1035384.